The following is an entry in ClinVar:

ClinVar aggregate classification (germline): Uncertain significance (1 of 4 stars; one submission).

Conditions:
Ataxia-telangiectasia syndrome (AT). Also called: ATAXIA-TELANGIECTASIA, FRESNO VARIANT; ATAXIA-TELANGIECTASIA, COMPLEMENTATION GROUP A; Ataxia-telangiectasia, complementation group D; AT, COMPLEMENTATION GROUP C; Ataxia telangiectasia (A-T); LOUIS-BAR SYNDROME. Identifiers: Orphanet 100, MedGen C0004135, MONDO:0008840, OMIM 208900.

Submission:

Labcorp Genetics (formerly Invitae), Labcorp
Classification: Uncertain significance for Ataxia-telangiectasia syndrome. Last evaluated: 2021-07-13. Review status: criteria provided, single submitter. Criteria: Invitae Variant Classification Sherloc (09022015). Collection method: clinical testing. Allele origin: germline.
Comment: In summary, the available evidence is currently insufficient to determine the role of this variant in disease. Therefore, it has been classified as a Variant of Uncertain Significance. Advanced modeling of protein sequence and biophysical properties (such as structural, functional, and spatial information, amino acid conservation, physicochemical variation, residue mobility, and thermodynamic stability) performed at Invitae indicates that this missense variant is not expected to disrupt ATM protein function. This variant has not been reported in the literature in individuals affected with ATM-related conditions. This variant is not present in population databases (ExAC no frequency). This sequence change replaces glutamic acid with lysine at codon 1353 of the ATM protein (p.Glu1353Lys). The glutamic acid residue is highly conserved and there is a small physicochemical difference between glutamic acid and lysine.

NM_000051.4(ATM):c.4057G>A (p.Glu1353Lys)

Gene: ATM (ATM serine/threonine kinase; plus strand). Cytogenetic location: 11q22.3.
Variant type: single nucleotide variant.
Coding change: c.4057G>A on transcript NM_000051.4 (MANE Select); coding-DNA position 4057, G replaced by A.
Protein change: p.Glu1353Lys; replaces glutamic acid 1353 with lysine.
Molecular consequence: missense variant.
Genome position (GRCh38, 1-based): chr11:108,287,663, G>A. VCF-style: chr11-108287663-G-A. GRCh37 (hg19) VCF-style: chr11-108158390-G-A.
Other names: c.4057G>A, p.Glu1353Lys (NM_001351834.2); short protein forms E1353K.
Identifiers: ClinVar variation 1438048 (VCV001438048.6), dbSNP rs2135736601, ClinGen allele CA382528009.
Genomic context (GRCh38, chr11:108,287,663, plus strand): 5'-GATCACTTATTCATTAGTAATTTACCAGAGATTGTGGTGGAGTTATTGATGACGTTACAT[G>A]AGCCAGCAAATTCTAGTGCCAGTCAGAGCACTGACCTCTGTGACTTTTCAGGGTATGTAC-3'
Protein context (NP_000042.3, residues 1343-1363): IVVELLMTLH[Glu1353Lys]PANSSASQST